The following is an entry in ClinVar:

NM_182914.3(SYNE2):c.20176C>T (p.Arg6726Trp)

Gene: SYNE2 (spectrin repeat containing nuclear envelope protein 2; plus strand). Cytogenetic location: 14q23.2.
Variant type: single nucleotide variant.
Coding change: c.20176C>T on transcript NM_182914.3 (MANE Select); coding-DNA position 20176, C replaced by T.
Protein change: p.Arg6726Trp; replaces arginine 6726 with tryptophan.
Molecular consequence: missense variant.
Genome position (GRCh38, 1-based): chr14:64,221,690, C>T. VCF-style: chr14-64221690-C-T. GRCh37 (hg19) VCF-style: chr14-64688408-C-T.
Other names: c.20107C>T, p.Arg6703Trp (NM_015180.6); c.742C>T, p.Arg248Trp (NM_182910.2); c.1120C>T, p.Arg374Trp (NM_182913.4); short protein forms R374W, R6703W, R248W, R6726W.
Identifiers: ClinVar variation 1029324 (VCV001029324.5), dbSNP rs371271767, ClinGen allele CA7224742.
Genomic context (GRCh38, chr14:64,221,690, plus strand): 5'-CGGAGGCAGAAGGCTCATGTCACCGATCCAAAGGCAGACCCCCGGGCTCTCCTAGAGTGT[C>T]GGAGGGAACTAATGGTAAGTTTCCTCCCAAGGGCTCTGTACTGCCACCAGCCTCTGTCAG-3'
Protein context (NP_878918.2, residues 6716-6736): KADPRALLEC[Arg6726Trp]RELMQLEKEL

ClinVar aggregate classification (germline): Uncertain significance. Review status: criteria provided, multiple submitters, no conflicts (2 of 4 stars). 2 submissions from 2 submitters: Uncertain significance (2). Last evaluated 2022-08-29.

Conditions:
Emery-Dreifuss muscular dystrophy 5, autosomal dominant (EDMD5). Also called: EMERY-DREIFUSS MUSCULAR DYSTROPHY 5. Identifiers: Orphanet 261, MedGen C2751805, MONDO:0013072, OMIM 612999.

Allele frequency attached by ClinVar (database versions not stated): gnomAD 0.00001; gnomAD exomes 0.00001; TOPMed 0.00001; ExAC 0.00002; ESP Exome Variant Server 0.00008.
gnomAD v4.1: 10 of 1,613,930 alleles (0.00062%); highest among the groups gnomAD compares: East Asian, 0.0022%; no homozygotes.

Submissions (2):

Labcorp Genetics (formerly Invitae), Labcorp
Classification: Uncertain significance for Emery-Dreifuss muscular dystrophy 5, autosomal dominant. Last evaluated: 2022-08-29. Review status: criteria provided, single submitter. Criteria: Invitae Variant Classification Sherloc (09022015). Collection method: clinical testing. Allele origin: germline.
Comment: This sequence change replaces arginine, which is basic and polar, with tryptophan, which is neutral and slightly polar, at codon 6726 of the SYNE2 protein (p.Arg6726Trp). In summary, the available evidence is currently insufficient to determine the role of this variant in disease. Therefore, it has been classified as a Variant of Uncertain Significance. Algorithms developed to predict the effect of missense changes on protein structure and function are either unavailable or do not agree on the potential impact of this missense change (SIFT: "Deleterious"; PolyPhen-2: "Possibly Damaging"; Align-GVGD: "Class C0"). ClinVar contains an entry for this variant (Variation ID: 1029324). This variant has not been reported in the literature in individuals affected with SYNE2-related conditions. This variant is present in population databases (rs371271767, gnomAD 0.003%).

Baylor Genetics
Classification: Uncertain significance for Emery-Dreifuss muscular dystrophy 5, autosomal dominant. Last evaluated: 2019-08-08. Review status: criteria provided, single submitter. Criteria: ACMG Guidelines, 2015. Collection method: clinical testing. Allele origin: unknown. Affected: yes.
Comment: This variant was determined to be of uncertain significance according to ACMG Guidelines, 2015 [PMID:25741868].